The following is an entry in ClinVar:

NM_006013.5(RPL10):c.24-8C>G

Gene: RPL10 (ribosomal protein L10; plus strand). Cytogenetic location: Xq28.
Variant type: single nucleotide variant.
Coding change: c.24-8C>G on transcript NM_006013.5 (MANE Select); 8 bases into the intron before coding-DNA position 24, C replaced by G.
Molecular consequence: intron variant.
Genome position (GRCh38, 1-based): chrX:154,399,330, C>G. VCF-style: chrX-154399330-C-G. GRCh37 (hg19) VCF-style: chrX-153627671-C-G.
Other names: c.24-8C>G (NM_001303625.1, NM_001256577.2, NM_001256580.2 and 2 more transcripts).
Identifiers: ClinVar variation 3024976 (VCV003024976.22), dbSNP rs2067975594, ClinGen allele CA2466670002.
Genomic context (GRCh38, chrX:154,399,330, plus strand): 5'-GAGGGGCAAAGTGCCTGTTGGGCTTTCTGTGAACCTCACCTAACCTGTGTTTTTTCACTC[C>G]CCTGCAGTTACCGGTATTGTAAGAACAAGCCGTACCCAAAGTCTCGCTTCTGCCGAGGTG-3'

ClinVar aggregate classification (germline): Uncertain significance (1 of 4 stars; one submission).

Submission:

CeGaT Center for Human Genetics Tuebingen
Classification: Uncertain significance. Last evaluated: 2023-12-01. Review status: criteria provided, single submitter. Criteria: CeGaT Center For Human Genetics Tuebingen Variant Classification Criteria Version 2. Collection method: clinical testing. Allele origin: germline. Affected: yes. Observed: 1 variant allele.
Comment: RPL10: PM2, BP4